The following is an entry in ClinVar:

NM_000135.4(FANCA):c.3047A>G (p.Asp1016Gly)

Gene: FANCA (FA complementation group A; minus strand). Cytogenetic location: 16q24.3.
Variant type: single nucleotide variant.
Coding change: c.3047A>G on transcript NM_000135.4 (MANE Select); coding-DNA position 3047, A replaced by G.
Protein change: p.Asp1016Gly; replaces aspartic acid 1016 with glycine.
Molecular consequence: missense variant.
Genome position (GRCh38, 1-based): chr16:89,752,157, T>C on the plus strand (A>G on the coding strand, the complement: FANCA is on the minus strand). VCF-style: chr16-89752157-T-C. GRCh37 (hg19) VCF-style: chr16-89818565-T-C.
Other names: c.3047A>G, p.Asp1016Gly (NM_001286167.3); short protein forms D1016G.
Identifiers: ClinVar variation 840841 (VCV000840841.7), dbSNP rs1303235237, ClinGen allele CA397426015.
Genomic context (GRCh38, chr16:89,752,157, plus strand): 5'-AATGAAGTGAATGCACTGAGTTGTGGCACCCTCAAACTCACCTGCAATCTGGAAATAATA[T>C]CCTCATTTCCTGTGCGGCCACCAAAGACCAAATCAGAATTTTCTGAGTGGTCATAACTCC-3'
Protein context (NP_000126.2, residues 1006-1026): LVFGGRTGNE[Asp1016Gly]IISRLQEMVA

ClinVar aggregate classification (germline): Uncertain significance. Review status: criteria provided, multiple submitters, no conflicts (2 of 4 stars). 2 submissions from 2 submitters: Uncertain significance (2). Last evaluated 2025-02-14.

Conditions:
Inborn genetic diseases. Identifiers: MedGen C0950123, MeSH D030342.
Fanconi anemia (FA). Also called: Fanconi's anemia. Identifiers: Orphanet 84, MedGen C0015625, MeSH D005199, MONDO:0019391.

Allele frequency attached by ClinVar (database versions not stated): TOPMed below 0.00001; gnomAD 0.00001.
gnomAD v4.1: 1 of 1,613,872 alleles (0.000062%); highest among the groups gnomAD compares: African/African-American, 0.0013%; no homozygotes.

Submissions (2):

Ambry Genetics
Classification: Uncertain significance for Inborn genetic diseases. Last evaluated: 2025-02-14. Review status: criteria provided, single submitter. Criteria: Ambry Variant Classification Scheme 2023. Collection method: clinical testing. Allele origin: germline.
Comment: The p.D1016G variant (also known as c.3047A>G), located in coding exon 31 of the FANCA gene, results from an A to G substitution at nucleotide position 3047. The aspartic acid at codon 1016 is replaced by glycine, an amino acid with similar properties. This amino acid position is conserved. In addition, the in silico prediction for this alteration is inconclusive. Based on the available evidence, the clinical significance of this variant remains unclear.

Labcorp Genetics (formerly Invitae), Labcorp
Classification: Uncertain significance for Fanconi anemia. Last evaluated: 2024-12-03. Review status: criteria provided, single submitter. Criteria: Invitae Variant Classification Sherloc (09022015). Collection method: clinical testing. Allele origin: germline.
Comment: This sequence change replaces aspartic acid, which is acidic and polar, with glycine, which is neutral and non-polar, at codon 1016 of the FANCA protein (p.Asp1016Gly). This variant is not present in population databases (gnomAD no frequency). This variant has not been reported in the literature in individuals affected with FANCA-related conditions. ClinVar contains an entry for this variant (Variation ID: 840841). Invitae Evidence Modeling of protein sequence and biophysical properties (such as structural, functional, and spatial information, amino acid conservation, physicochemical variation, residue mobility, and thermodynamic stability) has been performed for this missense variant. However, the output from this modeling did not meet the statistical confidence thresholds required to predict the impact of this variant on FANCA protein function. In summary, the available evidence is currently insufficient to determine the role of this variant in disease. Therefore, it has been classified as a Variant of Uncertain Significance.